The following is an entry in ClinVar:

NM_015909.4(NBAS):c.6473G>A (p.Cys2158Tyr)

Gene: NBAS (NBAS subunit of NRZ tethering complex; minus strand). Cytogenetic location: 2p24.3.
Variant type: single nucleotide variant.
Coding change: c.6473G>A on transcript NM_015909.4 (MANE Select); coding-DNA position 6473, G replaced by A.
Protein change: p.Cys2158Tyr; replaces cysteine 2158 with tyrosine.
Molecular consequence: missense variant. On other transcripts: non-coding transcript variant (1).
Genome position (GRCh38, 1-based): chr2:15,190,363, C>T on the plus strand (G>A on the coding strand, the complement: NBAS is on the minus strand). VCF-style: chr2-15190363-C-T. GRCh37 (hg19) VCF-style: chr2-15330487-C-T.
Other names: short protein forms C2158Y.
Identifiers: ClinVar variation 2064629 (VCV002064629.2), dbSNP rs1224663840, ClinGen allele CA345920492.

ClinVar aggregate classification (germline): Uncertain significance (1 of 4 stars; one submission).

Allele frequency attached by ClinVar (database versions not stated): gnomAD 0.00001; TOPMed 0.00001; gnomAD exomes 0.00002.
gnomAD v4.1: 30 of 1,613,878 alleles (0.0019%); highest among the groups gnomAD compares: Non-Finnish European, 0.0024%; no homozygotes.

Submission:

Labcorp Genetics (formerly Invitae), Labcorp
Classification: Uncertain significance. Last evaluated: 2022-07-20. Review status: criteria provided, single submitter. Criteria: Invitae Variant Classification Sherloc (09022015). Collection method: clinical testing. Allele origin: germline.
Comment: This sequence change replaces cysteine, which is neutral and slightly polar, with tyrosine, which is neutral and polar, at codon 2158 of the NBAS protein (p.Cys2158Tyr). In summary, the available evidence is currently insufficient to determine the role of this variant in disease. Therefore, it has been classified as a Variant of Uncertain Significance. Algorithms developed to predict the effect of missense changes on protein structure and function (SIFT, PolyPhen-2, Align-GVGD) all suggest that this variant is likely to be tolerated. This variant has not been reported in the literature in individuals affected with NBAS-related conditions. This variant is present in population databases (no rsID available, gnomAD 0.002%).